The following is an entry in ClinVar:

ClinVar aggregate classification (germline): Uncertain significance (1 of 4 stars; one submission).

Conditions:
Autosomal recessive spastic paraplegia type 78. Identifiers: Orphanet 513436, MedGen C5567893, MONDO:0014975, OMIM 617225.
Kufor-Rakeb syndrome (KRS). Also called: PARKINSON DISEASE 9, AUTOSOMAL RECESSIVE, JUVENILE-ONSET. Identifiers: Orphanet 306674, Orphanet 314632, MedGen C1847640, MONDO:0011706, OMIM 606693.

Submission:

Labcorp Genetics (formerly Invitae), Labcorp
Classification: Uncertain significance for Kufor-Rakeb syndrome; Autosomal recessive spastic paraplegia type 78. Last evaluated: 2017-11-27. Review status: criteria provided, single submitter. Criteria: Invitae Variant Classification Sherloc (09022015). Collection method: clinical testing. Allele origin: germline.
Comment: This sequence change replaces phenylalanine with serine at codon 1159 of the ATP13A2 protein (p.Phe1159Ser). The phenylalanine residue is weakly conserved and there is a large physicochemical difference between phenylalanine and serine. This variant is not present in population databases (ExAC no frequency). This variant has not been reported in the literature in individuals with ATP13A2-related disease. Algorithms developed to predict the effect of missense changes on protein structure and function do not agree on the potential impact of this missense change (SIFT: "Deleterious"; PolyPhen-2: "Probably Damaging"; Align-GVGD: "Class C0"). In summary, the available evidence is currently insufficient to determine the role of this variant in disease. Therefore, it has been classified as a Variant of Uncertain Significance.

NM_022089.4(ATP13A2):c.3476T>C (p.Phe1159Ser)

Gene: ATP13A2 (ATPase cation transporting 13A2; minus strand). Cytogenetic location: 1p36.13.
Variant type: single nucleotide variant.
Coding change: c.3476T>C on transcript NM_022089.4 (MANE Select); coding-DNA position 3476, T replaced by C.
Protein change: p.Phe1159Ser; replaces phenylalanine 1159 with serine.
Molecular consequence: missense variant. On other transcripts: synonymous variant (1).
Genome position (GRCh38, 1-based): chr1:16,986,288, A>G on the plus strand (T>C on the coding strand, the complement: ATP13A2 is on the minus strand). VCF-style: chr1-16986288-A-G. GRCh37 (hg19) VCF-style: chr1-17312783-A-G.
Other names: c.3461T>C, p.Phe1154Ser (NM_001141973.3); c.3174T>C, p.Leu1058= (NM_001141974.3); short protein forms F1159S, F1154S.
Identifiers: ClinVar variation 533805 (VCV000533805.1), dbSNP rs1553164387, ClinGen allele CA338232301.